The following is an entry in ClinVar:

ClinVar aggregate classification (germline): Uncertain significance. Review status: criteria provided, multiple submitters, no conflicts (2 of 4 stars). 2 submissions from 2 submitters: Uncertain significance (2). Last evaluated 2025-10-30.

Conditions:
Hereditary cancer-predisposing syndrome. Also called: Hereditary Cancer Syndrome; Tumor predisposition; Hereditary neoplastic syndrome; Neoplastic Syndromes, Hereditary. Identifiers: Orphanet 140162, MedGen C0027672, MeSH D009386, MONDO:0015356.
Oligodontia-cancer predisposition syndrome. Also called: TOOTH AGENESIS-COLORECTAL CANCER SYNDROME. Identifiers: Orphanet 300576, MedGen C1837750, MONDO:0012075, OMIM 608615. Disease mechanism: loss of function.

Allele frequency attached by ClinVar (database versions not stated): gnomAD 0.00001.
gnomAD v4.1: 1 of 1,558,504 alleles (0.000064%); highest among the groups gnomAD compares: African/African-American, 0.0014%; no homozygotes.

Submissions (2):

Ambry Genetics
Classification: Uncertain significance for Hereditary cancer-predisposing syndrome. Last evaluated: 2025-10-30. Review status: criteria provided, single submitter. Criteria: Ambry Variant Classification Scheme 2023. Collection method: clinical testing. Allele origin: germline.
Comment: The p.R445G variant (also known as c.1333A>G), located in coding exon 5 of the AXIN2 gene, results from an A to G substitution at nucleotide position 1333. The arginine at codon 445 is replaced by glycine, an amino acid with dissimilar properties. This amino acid position is conserved. In addition, this alteration is predicted to be deleterious by in silico analysis. Based on the available evidence, the clinical significance of this variant remains unclear.

Labcorp Genetics (formerly Invitae), Labcorp
Classification: Uncertain significance for Oligodontia-cancer predisposition syndrome. Last evaluated: 2020-10-29. Review status: criteria provided, single submitter. Criteria: Invitae Variant Classification Sherloc (09022015). Collection method: clinical testing. Allele origin: germline.
Comment: This sequence change replaces arginine with glycine at codon 445 of the AXIN2 protein (p.Arg445Gly). The arginine residue is highly conserved and there is a moderate physicochemical difference between arginine and glycine. In summary, the available evidence is currently insufficient to determine the role of this variant in disease. Therefore, it has been classified as a Variant of Uncertain Significance. Algorithms developed to predict the effect of missense changes on protein structure and function (SIFT, PolyPhen-2, Align-GVGD) all suggest that this variant is likely to be disruptive, but these predictions have not been confirmed by published functional studies and their clinical significance is uncertain. This variant has not been reported in the literature in individuals with AXIN2-related conditions. This variant is not present in population databases (ExAC no frequency).

NM_004655.4(AXIN2):c.1333A>G (p.Arg445Gly)

Gene: AXIN2 (axin 2; minus strand). Cytogenetic location: 17q24.1.
Variant type: single nucleotide variant.
Coding change: c.1333A>G on transcript NM_004655.4 (MANE Select); coding-DNA position 1333, A replaced by G.
Protein change: p.Arg445Gly; replaces arginine 445 with glycine.
Molecular consequence: missense variant.
Genome position (GRCh38, 1-based): chr17:65,537,703, T>C on the plus strand (A>G on the coding strand, the complement: AXIN2 is on the minus strand). VCF-style: chr17-65537703-T-C. GRCh37 (hg19) VCF-style: chr17-63533821-T-C.
Other names: c.1333A>G, p.Arg445Gly (NM_001363813.1); c.1333A>G (NM_004655.3); short protein forms R445G.
Identifiers: ClinVar variation 1044984 (VCV001044984.9), dbSNP rs2043958652, ClinGen allele CA400677709.